The following is an entry in ClinVar:

NM_001022.4(RPS19):c.106A>G (p.Thr36Ala)

Genes: RPS19 (ribosomal protein S19; plus strand), RPS19-CD79A (RPS19-CD79A readthrough; plus strand). Cytogenetic location: 19q13.2.
Variant type: single nucleotide variant.
Coding change: c.106A>G on transcript NM_001022.4 (MANE Select); coding-DNA position 106, A replaced by G.
Protein change: p.Thr36Ala; replaces threonine 36 with alanine.
Molecular consequence: missense variant.
Genome position (GRCh38, 1-based): chr19:41,861,146, A>G. VCF-style: chr19-41861146-A-G. GRCh37 (hg19) VCF-style: chr19-42365215-A-G.
Other names: c.106A>G, p.Thr36Ala (NM_001321483.2, NM_001321484.2, NM_001321485.2); short protein forms T36A.
Identifiers: ClinVar variation 2585122 (VCV002585122.1), dbSNP rs2513667216, ClinGen allele CA406046767.

ClinVar aggregate classification (germline): Uncertain significance (1 of 4 stars; one submission).

Conditions:
Diamond-Blackfan anemia 1 (DBA1). Also called: RPS19-Related Diamond-Blackfan Anemia; BLACKFAN-DIAMOND SYNDROME; ANEMIA, CONGENITAL HYPOPLASTIC, OF BLACKFAN AND DIAMOND; ANEMIA, CONGENITAL ERYTHROID HYPOPLASTIC; RED CELL APLASIA, PURE, HEREDITARY; AREGENERATIVE ANEMIA, CHRONIC CONGENITAL. Identifiers: Orphanet 124, MedGen C2676137, MONDO:0007110, OMIM 105650.

Submission:

Neuberg Centre For Genomic Medicine, NCGM
Classification: Uncertain significance for Diamond-Blackfan anemia 1. Review status: criteria provided, single submitter. Criteria: ACMG Guidelines, 2015. Collection method: clinical testing. Allele origin: germline. Inheritance: Autosomal dominant inheritance. Affected: yes.
Comment: The missense variant in c.106A>G(p.Thr36Ala) in RPS19 gene has not been reported previously as a pathogenic variant nor as a benign variant, to our knowledge. The p.Thr36Ala variant is novel (not in any individuals) in gnomAD Exomes and 1000 Genomes. The amino acid change p.Thr36Ala in RPS19 is predicted as conserved by GERP++ and PhyloP across 100 vertebrates. The amino acid Thr at position 36 is changed to a Ala changing protein sequence and it might alter its composition and physico-chemical properties. For these reasons, this variant has been classified as Uncertain Significance (VUS).